The following is an entry in ClinVar:

ClinVar aggregate classification (germline): Uncertain significance. Review status: criteria provided, multiple submitters, no conflicts (2 of 4 stars). 2 submissions from 2 submitters: Uncertain significance (2). Last evaluated 2023-12-05.

Conditions:
Cardiomyopathy (CMYO). Also called: Cardiomyopathies. Identifiers: Orphanet 167848, MedGen C0878544, MONDO:0004994, HP:0001638. Inheritance: Various modes of inheritance.

Submissions (2):

Color Diagnostics, LLC DBA Color Health
Classification: Uncertain significance for Cardiomyopathy. Last evaluated: 2023-12-05. Review status: criteria provided, single submitter. Criteria: ACMG Guidelines, 2015. Collection method: clinical testing. Allele origin: germline.
Comment: Variant of Uncertain Significance due to insufficient evidence: This missense variant replaces serine with tyrosine at codon 1289 of the RYR2 protein. Computational prediction tools and conservation analyses suggest that this variant may have deleterious impact on the protein function. Computational splicing tools suggest that this variant may not impact RNA splicing. To our knowledge, functional assays have not been performed for this variant nor has this variant been reported in individuals affected with cardiovascular disorders in the literature. This variant is rare in the general population and has been identified in 0/277264 chromosomes by the Genome Aggregation Database (gnomAD). Available evidence is insufficient to determine the role of this variant in disease conclusively.

AiLife Diagnostics
Classification: Uncertain significance. Last evaluated: 2021-12-01. Review status: criteria provided, single submitter. Criteria: ACMG Guidelines, 2015. Collection method: clinical testing. Allele origin: germline. Affected: yes. Observed: 1 variant allele.

NM_001035.3(RYR2):c.3866C>A (p.Ser1289Tyr)

Genes: RYR2 (ryanodine receptor 2; plus strand), LOC126806067 (BRD4-independent group 4 enhancer GRCh37_chr1:237753258-237754457; plus strand). Cytogenetic location: 1q43.
Variant type: single nucleotide variant.
Coding change: c.3866C>A on transcript NM_001035.3 (MANE Select); coding-DNA position 3866, C replaced by A.
Protein change: p.Ser1289Tyr; replaces serine 1289 with tyrosine.
Molecular consequence: missense variant.
Genome position (GRCh38, 1-based): chr1:237,590,698, C>A. VCF-style: chr1-237590698-C-A. GRCh37 (hg19) VCF-style: chr1-237753998-C-A.
Other names: short protein forms S1289Y.
Identifiers: ClinVar variation 923110 (VCV000923110.6), dbSNP rs1675056984, ClinGen allele CA345397246.